The following is an entry in ClinVar:

ClinVar aggregate classification (germline): Uncertain significance (1 of 4 stars; one submission).

Conditions:
Familial thoracic aortic aneurysm and aortic dissection (TAAD). Also called: Thoracic aortic aneurysms and dissections. Identifiers: Orphanet 91387, MedGen C4707243, MONDO:0019625.

Submission:

Color Diagnostics, LLC DBA Color Health
Classification: Uncertain significance for Familial thoracic aortic aneurysm and aortic dissection. Last evaluated: 2019-09-10. Review status: criteria provided, single submitter. Criteria: ACMG Guidelines, 2015. Collection method: clinical testing. Allele origin: germline.
Comment: This variant causes a T>C nucleotide substitution at the -2 position of intron 4 of the MYH11 gene. Splice site prediction tools and conservation analyses suggest that this variant may impact RNA splicing. To our knowledge, functional studies have not been performed for this variant. This variant has not been reported in individuals affected with cardiovascular disorders in the literature. This variant has not been identified in the general population by the Genome Aggregation Database (gnomAD). The available evidence is insufficient to determine the role of this variant in disease conclusively. Therefore, this variant is classified as a Variant of Uncertain Significance.

NM_002474.3(MYH11):c.531-2A>G

Gene: MYH11 (myosin heavy chain 11; minus strand). Cytogenetic location: 16p13.11.
Variant type: single nucleotide variant.
Coding change: c.531-2A>G on transcript NM_002474.3 (MANE Select); the canonical splice acceptor site of the intron before coding-DNA position 531, A replaced by G.
Molecular consequence: splice acceptor variant.
Genome position (GRCh38, 1-based): chr16:15,786,734, T>C on the plus strand (A>G on the coding strand, the complement: MYH11 is on the minus strand). VCF-style: chr16-15786734-T-C. GRCh37 (hg19) VCF-style: chr16-15880591-T-C.
Other names: c.531-2A>G (NM_001040113.2, NM_022844.3, NM_001040114.2).
Identifiers: ClinVar variation 928074 (VCV000928074.3), dbSNP rs2042478374, ClinGen allele CA394873943.